The following is an entry in ClinVar:

NM_201384.3(PLEC):c.5756_5758del (p.Gln1919del)

Gene: PLEC (plectin; minus strand). Cytogenetic location: 8q24.3.
Variant type: Deletion.
Coding change: c.5756_5758del on transcript NM_201384.3 (MANE Select); coding-DNA positions 5756 to 5758, 3 bases deleted (AGC; older notation c.5756_5758delAGC).
Protein change: p.Gln1919del; deletes glutamine 1919.
Molecular consequence: inframe deletion. On other transcripts: intron variant (1).
Genome position (GRCh38, 1-based): chr8:143,924,171-143,924,173, GCT deleted on the plus strand (AGC on the coding strand, the reverse complement: PLEC is on the minus strand); deleting any 3 consecutive bases within chr8:143,924,171-143,924,175 gives the same sequence; the c. name uses the placement nearest the transcript's 3' end. VCF-style (leftmost placement, unchanged base first): chr8-143924170-CGCT-C. GRCh37 (hg19) VCF-style: chr8-144998338-CGCT-C.
Other names: c.5837_5839del, p.Gln1946del (NM_000445.5); c.5714_5716del, p.Gln1905del (NM_201378.4); c.5690_5692del, p.Gln1897del (NM_201379.3); c.6167_6169del, p.Gln2056del (NM_201380.4); c.5660_5662del, p.Gln1887del (NM_201381.3); c.5756_5758del, p.Gln1919del (NM_201382.4); c.5768_5770del, p.Gln1923del (NM_201383.3); c.4126-1778_4126-1776del (NM_001410941.1); short protein forms Q1887del, Q1897del, Q1905del, Q1919del, Q1923del, Q1946del, Q2056del.
Identifiers: ClinVar variation 4534646 (VCV004534646.6).

ClinVar aggregate classification (germline): Uncertain significance (1 of 4 stars; one submission).

Submission:

CeGaT Center for Human Genetics Tuebingen
Classification: Uncertain significance. Last evaluated: 2025-11-01. Review status: criteria provided, single submitter. Criteria: CeGaT Center For Human Genetics Tuebingen Variant Classification Criteria Version 2. Collection method: clinical testing. Allele origin: germline. Affected: yes. Observed: 1 variant allele.
Comment: PLEC: PM2, PM4:Supporting